The following is an entry in ClinVar:

ClinVar aggregate classification (germline): Uncertain significance (1 of 4 stars; one submission).

Conditions:
Hereditary cancer-predisposing syndrome. Also called: Neoplastic Syndromes, Hereditary; Tumor predisposition; Hereditary Cancer Syndrome; Hereditary neoplastic syndrome. Identifiers: Orphanet 140162, MedGen C0027672, MeSH D009386, MONDO:0015356.

Submission:

Ambry Genetics
Classification: Uncertain significance for Hereditary cancer-predisposing syndrome. Last evaluated: 2021-02-05. Review status: criteria provided, single submitter. Criteria: Ambry Variant Classification Scheme 2023. Collection method: clinical testing. Allele origin: germline.
Comment: The p.N2334K variant (also known as c.7002T>G), located in coding exon 15 of the APC gene, results from a T to G substitution at nucleotide position 7002. The asparagine at codon 2334 is replaced by lysine, an amino acid with similar properties. This amino acid position is highly conserved in available vertebrate species. In addition, in silico predictors for this gene do not accurately predict pathogenicity. Since supporting evidence is limited at this time, the clinical significance of this alteration remains unclear.

NM_000038.6(APC):c.7002T>G (p.Asn2334Lys)

Gene: APC (APC regulator of Wnt signaling pathway; plus strand). Cytogenetic location: 5q22.2.
Variant type: single nucleotide variant.
Coding change: c.7002T>G on transcript NM_000038.6 (MANE Select); coding-DNA position 7002, T replaced by G.
Protein change: p.Asn2334Lys; replaces asparagine 2334 with lysine.
Molecular consequence: missense variant.
Genome position (GRCh38, 1-based): chr5:112,842,596, T>G. VCF-style: chr5-112842596-T-G. GRCh37 (hg19) VCF-style: chr5-112178293-T-G.
Other names: c.7002T>G, p.Asn2334Lys (NM_001127510.3, NM_001354895.2, NM_001407450.1); c.6948T>G, p.Asn2316Lys (NM_001127511.3); c.7056T>G, p.Asn2352Lys (NM_001354896.2, NM_001407447.1, NM_001407448.1 and 1 more transcripts); c.7032T>G, p.Asn2344Lys (NM_001354897.2); c.6927T>G, p.Asn2309Lys (NM_001354898.2); c.6918T>G, p.Asn2306Lys (NM_001354899.2); c.6879T>G, p.Asn2293Lys (NM_001354900.2); c.6825T>G, p.Asn2275Lys (NM_001354901.2, NM_001407453.1); and 11 more; short protein forms N2051K, N2205K, N2208K, N2324K, N2362K, N2233K, N2251K, N2327K.
Identifiers: ClinVar variation 1756648 (VCV001756648.2), dbSNP rs2533760295, ClinGen allele CA16036596.